The following is an entry in ClinVar:

ClinVar aggregate classification (germline): Benign/Likely benign. Review status: criteria provided, multiple submitters, no conflicts (2 of 4 stars). 3 submissions from 3 submitters: Benign (1); Likely benign (2). Last evaluated 2026-01-19.

Conditions:
Congenital microvillous atrophy (DIAR2). Also called: CONGENITAL FAMILIAL PROTRACTED DIARRHEA WITH ENTEROCYTE BRUSH-BORDER ABNORMALITIES; DAVIDSON DISEASE; Diarrhea 2 with microvillus atrophy, with or without cholestasis; MICROVILLUS ATROPHY, CONGENITAL; Microvillus inclusion disease. Identifiers: Orphanet 2290, MedGen C0341306, MONDO:0009635, OMIM 251850.

Allele frequency attached by ClinVar (database versions not stated): gnomAD exomes 0.00010 and 0.00056; gnomAD 0.00022 and 0.00029; TOPMed 0.00037; ExAC 0.00053; 1000 Genomes Project 30x 0.00109; 1000 Genomes Project 0.00120.
gnomAD v4.1: 208 of 1,612,016 alleles (0.013%); highest among the groups gnomAD compares: East Asian, 0.4%; 1 homozygote.

Submissions (3):

Labcorp Genetics (formerly Invitae), Labcorp
Classification: Benign. Last evaluated: 2026-01-19. Review status: criteria provided, single submitter. Criteria: Invitae Variant Classification Sherloc (09022015). Collection method: clinical testing. Allele origin: germline.

Blueprint Genetics
Classification: Likely benign. Last evaluated: 2024-09-03. Review status: criteria provided, single submitter. Criteria: ACMG Guidelines, 2015. Collection method: clinical testing. Allele origin: germline.

Illumina Laboratory Services, Illumina
Classification: Likely benign for Congenital microvillous atrophy. Last evaluated: 2018-01-12. Review status: criteria provided, single submitter. Criteria: ICSL Variant Classification Criteria 13 December 2019. Collection method: clinical testing. Allele origin: germline.
Comment: This variant was observed in the ICSL laboratory as part of a predisposition screen in an ostensibly healthy population. It had not been previously curated by ICSL or reported in the Human Gene Mutation Database (HGMD: prior to June 1st, 2018), and was therefore a candidate for classification through an automated scoring system. Utilizing variant allele frequency, disease prevalence and penetrance estimates, and inheritance mode, an automated score was calculated to assess if this variant is too frequent to cause the disease. Based on the score and internal cut-off values, a variant classified as likely benign is not then subjected to further curation. The score for this variant resulted in a classification of likely benign for this disease.

NM_001080467.3(MYO5B):c.1057-15C>T

Gene: MYO5B (myosin VB; minus strand). Cytogenetic location: 18q21.1.
Variant type: single nucleotide variant.
Coding change: c.1057-15C>T on transcript NM_001080467.3 (MANE Select); 15 bases into the intron before coding-DNA position 1057, C replaced by T.
Molecular consequence: intron variant.
Genome position (GRCh38, 1-based): chr18:49,974,630, G>A on the plus strand (C>T on the coding strand, the complement: MYO5B is on the minus strand). VCF-style: chr18-49974630-G-A. GRCh37 (hg19) VCF-style: chr18-47501000-G-A.
Identifiers: ClinVar variation 327071 (VCV000327071.13), dbSNP rs149299559, ClinGen allele CA8961650.